The following is an entry in ClinVar:

NM_006922.4(SCN3A):c.2245G>T (p.Val749Leu)

Gene: SCN3A (sodium voltage-gated channel alpha subunit 3; minus strand). Cytogenetic location: 2q24.3.
Variant type: single nucleotide variant.
Coding change: c.2245G>T on transcript NM_006922.4 (MANE Select); coding-DNA position 2245, G replaced by T.
Protein change: p.Val749Leu; replaces valine 749 with leucine.
Molecular consequence: missense variant.
Genome position (GRCh38, 1-based): chr2:165,138,025, C>A on the plus strand (G>T on the coding strand, the complement: SCN3A is on the minus strand). VCF-style: chr2-165138025-C-A. GRCh37 (hg19) VCF-style: chr2-165994535-C-A.
Other names: c.2098G>T, p.Val700Leu (NM_001081676.2, NM_001081677.2); short protein forms V700L, V749L.
Identifiers: ClinVar variation 4745731 (VCV004745731.1).

ClinVar aggregate classification (germline): Uncertain significance (1 of 4 stars; one submission).

gnomAD v4.1: 1 of 1,613,576 alleles (0.000062%); highest among the groups gnomAD compares: Non-Finnish European, 0.000085%; no homozygotes.

Submission:

Labcorp Genetics (formerly Invitae), Labcorp
Classification: Uncertain significance. Last evaluated: 2025-12-09. Review status: criteria provided, single submitter. Criteria: Invitae Variant Classification Sherloc (09022015). Collection method: clinical testing. Allele origin: germline.
Comment: This sequence change replaces valine, which is neutral and non-polar, with leucine, which is neutral and non-polar, at codon 749 of the SCN3A protein (p.Val749Leu). This variant is present in population databases (no rsID available, gnomAD 0.01%). This variant has not been reported in the literature in individuals affected with SCN3A-related conditions. Invitae Evidence Modeling of protein sequence and biophysical properties (such as structural, functional, and spatial information, amino acid conservation, physicochemical variation, residue mobility, and thermodynamic stability) indicates that this missense variant is not expected to disrupt SCN3A protein function with a negative predictive value of 95%. In summary, the available evidence is currently insufficient to determine the role of this variant in disease. Therefore, it has been classified as a Variant of Uncertain Significance.